The following is an entry in ClinVar:

ClinVar aggregate classification (germline): Uncertain significance (1 of 4 stars; one submission).

Conditions:
Hypertrophic cardiomyopathy. Also called: HYPERTROPHIC MYOCARDIOPATHY. Identifiers: Orphanet 217569, MedGen C0007194, MeSH D002312, MONDO:0005045, HP:0001639.
Primary dilated cardiomyopathy (DCM). Also called: Dilated Cardiomyopathy. Identifiers: Orphanet 217604, MedGen C0007193, MeSH D002311, MONDO:0005021, HP:0001644. Inheritance: Various modes of inheritance.

Submission:

Labcorp Genetics (formerly Invitae), Labcorp
Classification: Uncertain significance for Hypertrophic cardiomyopathy; Primary dilated cardiomyopathy. Last evaluated: 2019-12-27. Review status: criteria provided, single submitter. Criteria: Invitae Variant Classification Sherloc (09022015). Collection method: clinical testing. Allele origin: germline.
Comment: Algorithms developed to predict the effect of missense changes on protein structure and function are either unavailable or do not agree on the potential impact of this missense change (SIFT: "Deleterious"; PolyPhen-2: "Benign"; Align-GVGD: "Class C0"). This sequence change replaces valine with leucine at codon 183 of the PDLIM3 protein (p.Val183Leu). The valine residue is highly conserved and there is a small physicochemical difference between valine and leucine. This variant is not present in population databases (ExAC no frequency). This variant has not been reported in the literature in individuals with PDLIM3-related conditions. In summary, the available evidence is currently insufficient to determine the role of this variant in disease. Therefore, it has been classified as a Variant of Uncertain Significance.

NM_014476.6(PDLIM3):c.547G>T (p.Val183Leu)

Gene: PDLIM3 (PDZ and LIM domain 3; minus strand). Cytogenetic location: 4q35.1.
Variant type: single nucleotide variant.
Coding change: c.547G>T on transcript NM_014476.6 (MANE Select); coding-DNA position 547, G replaced by T.
Protein change: p.Val183Leu; replaces valine 183 with leucine.
Molecular consequence: missense variant. On other transcripts: intron variant (3).
Genome position (GRCh38, 1-based): chr4:185,508,414, C>A on the plus strand (G>T on the coding strand, the complement: PDLIM3 is on the minus strand). VCF-style: chr4-185508414-C-A. GRCh37 (hg19) VCF-style: chr4-186429568-C-A.
Other names: c.162-1762G>T (NM_001257963.2); c.399-1762G>T (NM_001257962.2); c.519-1762G>T (NM_001114107.5); short protein forms V183L.
Identifiers: ClinVar variation 844182 (VCV000844182.10), dbSNP rs765318874, ClinGen allele CA112044712.